The following is an entry in ClinVar:

ClinVar aggregate classification (germline): Uncertain significance (1 of 4 stars; one submission).

Allele frequency attached by ClinVar (database versions not stated): ExAC 0.00001.
gnomAD v4.1: 4 of 1,614,118 alleles (0.00025%); highest among the groups gnomAD compares: South Asian, 0.0044%; no homozygotes.

Submission:

Labcorp Genetics (formerly Invitae), Labcorp
Classification: Uncertain significance. Last evaluated: 2022-04-21. Review status: criteria provided, single submitter. Criteria: Invitae Variant Classification Sherloc (09022015). Collection method: clinical testing. Allele origin: germline.
Comment: This variant has not been reported in the literature in individuals affected with PLVAP-related conditions. This sequence change replaces valine, which is neutral and non-polar, with alanine, which is neutral and non-polar, at codon 52 of the PLVAP protein (p.Val52Ala). This variant is present in population databases (rs780248527, gnomAD 0.003%). Algorithms developed to predict the effect of missense changes on protein structure and function output the following: SIFT: "Tolerated"; PolyPhen-2: "Benign"; Align-GVGD: "Class C0". The alanine amino acid residue is found in multiple mammalian species, which suggests that this missense change does not adversely affect protein function. In summary, the available evidence is currently insufficient to determine the role of this variant in disease. Therefore, it has been classified as a Variant of Uncertain Significance.

NM_031310.3(PLVAP):c.155T>C (p.Val52Ala)

Gene: PLVAP (plasmalemma vesicle associated protein; minus strand). Cytogenetic location: 19p13.11.
Variant type: single nucleotide variant.
Coding change: c.155T>C on transcript NM_031310.3 (MANE Select); coding-DNA position 155, T replaced by C.
Protein change: p.Val52Ala; replaces valine 52 with alanine.
Molecular consequence: missense variant.
Genome position (GRCh38, 1-based): chr19:17,377,134, A>G on the plus strand (T>C on the coding strand, the complement: PLVAP is on the minus strand). VCF-style: chr19-17377134-A-G. GRCh37 (hg19) VCF-style: chr19-17487943-A-G.
Other names: short protein forms V52A.
Identifiers: ClinVar variation 2128845 (VCV002128845.4), dbSNP rs780248527, ClinGen allele CA9294133.